The following is an entry in ClinVar:

NM_004990.4(MARS1):c.2273C>T (p.Pro758Leu)

Gene: MARS1 (methionyl-tRNA synthetase 1; plus strand). Cytogenetic location: 12q13.3.
Variant type: single nucleotide variant.
Coding change: c.2273C>T on transcript NM_004990.4 (MANE Select); coding-DNA position 2273, C replaced by T.
Protein change: p.Pro758Leu; replaces proline 758 with leucine.
Molecular consequence: missense variant.
Genome position (GRCh38, 1-based): chr12:57,515,218, C>T. VCF-style: chr12-57515218-C-T. GRCh37 (hg19) VCF-style: chr12-57909001-C-T.
Other names: short protein forms P758L.
Identifiers: ClinVar variation 3763002 (VCV003763002.2).

ClinVar aggregate classification (germline): Uncertain significance (1 of 4 stars; one submission).

Conditions:
Severe early-onset pulmonary alveolar proteinosis due to MARS deficiency. Also called: PULMONARY ALVEOLAR PROTEINOSIS, REUNION ISLAND; Interstitial lung and liver disease. Identifiers: Orphanet 440427, MedGen C4225400, MONDO:0014206, OMIM 615486.
Charcot-Marie-Tooth disease axonal type 2U. Also called: CHARCOT-MARIE-TOOTH NEUROPATHY, TYPE 2U; CHARCOT-MARIE-TOOTH DISEASE, AXONAL, AUTOSOMAL DOMINANT, TYPE 2U. Identifiers: Orphanet 397735, MedGen C4084821, MONDO:0014566, OMIM 616280.

gnomAD v4.1: 2 of 1,614,204 alleles (0.00012%); highest among the groups gnomAD compares: Non-Finnish European, 0.00017%; no homozygotes.

Submission:

Labcorp Genetics (formerly Invitae), Labcorp
Classification: Uncertain significance for Charcot-Marie-Tooth disease axonal type 2U; Severe early-onset pulmonary alveolar proteinosis due to MARS deficiency. Last evaluated: 2024-10-30. Review status: criteria provided, single submitter. Criteria: Invitae Variant Classification Sherloc (09022015). Collection method: clinical testing. Allele origin: germline.
Comment: This sequence change replaces proline, which is neutral and non-polar, with leucine, which is neutral and non-polar, at codon 758 of the MARS protein (p.Pro758Leu). This variant is not present in population databases (gnomAD no frequency). This variant has not been reported in the literature in individuals affected with MARS-related conditions. An algorithm developed to predict the effect of missense changes on protein structure and function (PolyPhen-2) suggests that this variant is likely to be disruptive. In summary, the available evidence is currently insufficient to determine the role of this variant in disease. Therefore, it has been classified as a Variant of Uncertain Significance.